The following is an entry in ClinVar:

ClinVar aggregate classification (germline): Likely benign (1 of 4 stars; one submission).

Conditions:
BTD-related disorder. Also called: BTD-related condition.

Submission:

PreventionGenetics, part of Exact Sciences
Classification: Likely benign for BTD-related condition. Last evaluated: 2026-08-24. Review status: criteria provided, single submitter. Criteria: ACMG Guidelines, 2015. Collection method: clinical testing. Allele origin: germline.
Comment: This variant is classified as likely benign based on ACMG/AMP sequence variant interpretation guidelines (Richards et al. 2015 PMID: 25741868, with internal and published modifications).

NM_001370658.1(BTD):c.*3058C>T

Gene: BTD (biotinidase; plus strand). Cytogenetic location: 3p25.1.
Variant type: single nucleotide variant.
Coding change: c.*3058C>T on transcript NM_001370658.1 (MANE Select); 3058 bases downstream of the stop codon, C replaced by T.
Molecular consequence: 3 prime UTR variant. On other transcripts: intron variant (8).
Genome position (GRCh38, 1-based): chr3:15,648,546, C>T. VCF-style: chr3-15648546-C-T. GRCh37 (hg19) VCF-style: chr3-15690053-C-T.
Other names: c.*3058C>T (NM_001281723.4, NM_001281724.3, NM_001281725.3 and 16 more transcripts); c.1015+3615C>T (NM_001370752.1, NM_001407379.1); c.399+6489C>T (NM_001370753.1, NM_001407400.1, NM_001407401.1 and 1 more transcripts); c.400-965C>T (NM_001407398.1, NM_001407399.1).
Identifiers: ClinVar variation 4985439 (VCV004985439.1).
Genomic context (GRCh38, chr3:15,648,546, plus strand): 5'-TTAATGGCATAAAACAAGCATGGACATTGTTAGTTCACCCAGTTCTGTGGGGCAGGAAAG[C>T]GGGTCTCTCATGAGGCTACAGTCAAGATGTCAGCCGAGGTGACAGTGAAGATATCAACCA-3'